The following is an entry in ClinVar:

NM_007294.4(BRCA1):c.3009T>C (p.Phe1003=)

Gene: BRCA1 (BRCA1 DNA repair associated; minus strand). Cytogenetic location: 17q21.31.
Variant type: single nucleotide variant.
Coding change: c.3009T>C on transcript NM_007294.4 (MANE Select); coding-DNA position 3009, T replaced by C.
Protein change: p.Phe1003=; no amino-acid change (phenylalanine 1003 retained).
Molecular consequence: synonymous variant. On other transcripts: intron variant (137).
Genome position (GRCh38, 1-based): chr17:43,092,522, A>G on the plus strand (T>C on the coding strand, the complement: BRCA1 is on the minus strand). VCF-style: chr17-43092522-A-G. GRCh37 (hg19) VCF-style: chr17-41244539-A-G.
Other names: c.2796T>C, p.Phe932= (NM_001407571.1, NM_001407853.1, NM_001407894.1 and 9 more transcripts); c.3009T>C, p.Phe1003= (NM_001407581.1, NM_001407582.1, NM_001407583.1 and 30 more transcripts); c.3006T>C, p.Phe1002= (NM_001407587.1, NM_001407590.1, NM_001407591.1 and 22 more transcripts); c.3000T>C, p.Phe1000= (NM_001407646.1, NM_001407647.1); c.2886T>C, p.Phe962= (NM_001407648.1, NM_001407664.1, NM_001407665.1 and 19 more transcripts); c.2883T>C, p.Phe961= (NM_001407649.1, NM_001407670.1, NM_001407671.1 and 11 more transcripts); c.2931T>C, p.Phe977= (NM_001407653.1, NM_001407654.1, NM_001407655.1 and 4 more transcripts); c.2928T>C, p.Phe976= (NM_001407659.1, NM_001407660.1, NM_001407661.1 and 1 more transcripts); and 41 more.
Identifiers: ClinVar variation 184640 (VCV000184640.15), dbSNP rs786201587, ClinGen allele CA001960.

ClinVar aggregate classification (germline): Likely benign. Review status: reviewed by expert panel (3 of 4 stars). 3 submissions from 3 submitters: Likely benign (1). 2 of the submissions do not count toward it. Last evaluated 2017-06-29.

Conditions:
Hereditary breast ovarian cancer syndrome. Also called: Hereditary breast and ovarian cancer syndrome; Hereditary breast and ovarian cancer syndrome (HBOC); BRCA1- and BRCA2-Associated Hereditary Breast and Ovarian Cancer; Breast and ovarian cancer; Hereditary breast and ovarian cancer; Hereditary breast and/or ovarian cancer syndrome. Identifiers: Orphanet 145, MedGen C0677776, MeSH D061325, MONDO:0003582. Disease mechanism: loss of function.
Hereditary cancer-predisposing syndrome. Also called: Hereditary Cancer Syndrome; Hereditary neoplastic syndrome; Tumor predisposition; Neoplastic Syndromes, Hereditary. Identifiers: Orphanet 140162, MedGen C0027672, MeSH D009386, MONDO:0015356.
Breast-ovarian cancer, familial, susceptibility to, 1 (BROVCA1). Also called: OVARIAN CANCER, SUSCEPTIBILITY TO; BRCA1 Hereditary Breast and Ovarian Cancer. Identifiers: Orphanet 145, MedGen C2676676, MONDO:0011450, OMIM 604370. Disease mechanism: loss of function.

Submissions (3):

Evidence-based Network for the Interpretation of Germline Mutant Alleles (ENIGMA)
Classification: Likely benign for Breast-ovarian cancer, familial, susceptibility to, 1. Last evaluated: 2017-06-29. Review status: reviewed by expert panel. Criteria: ENIGMA BRCA1/2 Classification Criteria (2017-06-29). Collection method: curation. Allele origin: germline.
Comment: Synonymous substitution variant, with low bioinformatic likelihood to result in a splicing aberration (Splicing prior probability 0.02).

Ambry Genetics
Classification: Likely benign for Hereditary cancer-predisposing syndrome. Last evaluated: 2026-06-04. Review status: criteria provided, single submitter. Criteria: Ambry Variant Classification Scheme 2023. Collection method: clinical testing. Allele origin: germline. Not counted in ClinVar's aggregate classification.

Labcorp Genetics (formerly Invitae), Labcorp
Classification: Likely benign for Hereditary breast ovarian cancer syndrome. Last evaluated: 2024-05-22. Review status: criteria provided, single submitter. Criteria: Invitae Variant Classification Sherloc (09022015). Collection method: clinical testing. Allele origin: germline. Not counted in ClinVar's aggregate classification.